The following is an entry in ClinVar:

NM_001943.5(DSG2):c.278G>A (p.Gly93Glu)

Gene: DSG2 (desmoglein 2; plus strand). Cytogenetic location: 18q12.1.
Variant type: single nucleotide variant.
Coding change: c.278G>A on transcript NM_001943.5 (MANE Select); coding-DNA position 278, G replaced by A.
Protein change: p.Gly93Glu; replaces glycine 93 with glutamic acid.
Molecular consequence: missense variant.
Genome position (GRCh38, 1-based): chr18:31,520,864, G>A. VCF-style: chr18-31520864-G-A. GRCh37 (hg19) VCF-style: chr18-29100827-G-A.
Other names: short protein forms G93E.
Identifiers: ClinVar variation 2130504 (VCV002130504.4), dbSNP rs2510910815, ClinGen allele CA402131428.

ClinVar aggregate classification (germline): Uncertain significance (1 of 4 stars; one submission).

Conditions:
Arrhythmogenic right ventricular dysplasia 10. Also called: Arrhythmogenic Right Ventricular Dysplasia/Cardiomyopathy10; ARRHYTHMOGENIC RIGHT VENTRICULAR DYSPLASIA, FAMILIAL, 10; Arrhythmogenic right ventricular dysplasia/cardiomyopathy, type 10. Identifiers: MedGen C1857777, MONDO:0012434, OMIM 610193.

Submission:

Labcorp Genetics (formerly Invitae), Labcorp
Classification: Uncertain significance for Arrhythmogenic right ventricular dysplasia 10. Last evaluated: 2023-05-23. Review status: criteria provided, single submitter. Criteria: Invitae Variant Classification Sherloc (09022015). Collection method: clinical testing. Allele origin: germline.
Comment: In summary, the available evidence is currently insufficient to determine the role of this variant in disease. Therefore, it has been classified as a Variant of Uncertain Significance. Advanced modeling of protein sequence and biophysical properties (such as structural, functional, and spatial information, amino acid conservation, physicochemical variation, residue mobility, and thermodynamic stability) has been performed at Invitae for this missense variant, however the output from this modeling did not meet the statistical confidence thresholds required to predict the impact of this variant on DSG2 protein function. ClinVar contains an entry for this variant (Variation ID: 2130504). This variant has not been reported in the literature in individuals affected with DSG2-related conditions. This variant is not present in population databases (gnomAD no frequency). This sequence change replaces glycine, which is neutral and non-polar, with glutamic acid, which is acidic and polar, at codon 93 of the DSG2 protein (p.Gly93Glu).